The following is an entry in ClinVar:

ClinVar aggregate classification (germline): Uncertain significance. Review status: criteria provided, multiple submitters, no conflicts (2 of 4 stars). 2 submissions from 2 submitters: Uncertain significance (2). Last evaluated 2021-09-10.

Conditions:
Pierson syndrome. Also called: MICROCORIA-CONGENITAL NEPHROTIC SYNDROME. Identifiers: Orphanet 2670, MedGen C1836876, MONDO:0012184, OMIM 609049.
LAMB2-related infantile-onset nephrotic syndrome. Also called: Nephrotic Syndrome, type 5; NEPHROTIC SYNDROME, TYPE 5, WITHOUT OCULAR ABNORMALITIES; NEPHROTIC SYNDROME, TYPE 5, WITH OCULAR ABNORMALITIES. Identifiers: Orphanet 306507, MedGen C3280113, MONDO:0013621, OMIM 614199.

Allele frequency attached by ClinVar (database versions not stated): gnomAD exomes below 0.00001.
gnomAD v4.1: 2 of 1,608,922 alleles (0.00012%); highest among the groups gnomAD compares: Admixed American, 0.0017%; no homozygotes.

Submissions (2):

Fulgent Genetics
Classification: Uncertain significance for Pierson syndrome; LAMB2-related infantile-onset nephrotic syndrome. Last evaluated: 2021-09-10. Review status: criteria provided, single submitter. Criteria: ACMG Guidelines, 2015. Collection method: clinical testing. Allele origin: unknown.

Labcorp Genetics (formerly Invitae), Labcorp
Classification: Uncertain significance for LAMB2-related infantile-onset nephrotic syndrome; Pierson syndrome. Last evaluated: 2021-08-15. Review status: criteria provided, single submitter. Criteria: Invitae Variant Classification Sherloc (09022015). Collection method: clinical testing. Allele origin: germline.
Comment: Algorithms developed to predict the effect of missense changes on protein structure and function (SIFT, PolyPhen-2, Align-GVGD) all suggest that this variant is likely to be tolerated. Algorithms developed to predict the effect of sequence changes on RNA splicing suggest that this variant may create or strengthen a splice site. In summary, the available evidence is currently insufficient to determine the role of this variant in disease. Therefore, it has been classified as a Variant of Uncertain Significance. This variant has not been reported in the literature in individuals affected with LAMB2-related conditions. This sequence change replaces serine with arginine at codon 1441 of the LAMB2 protein (p.Ser1441Arg). The serine residue is weakly conserved and there is a moderate physicochemical difference between serine and arginine. This variant is not present in population databases (ExAC no frequency).

NM_002292.4(LAMB2):c.4323C>G (p.Ser1441Arg)

Gene: LAMB2 (laminin subunit beta 2; minus strand). Cytogenetic location: 3p21.31.
Variant type: single nucleotide variant.
Coding change: c.4323C>G on transcript NM_002292.4 (MANE Select); coding-DNA position 4323, C replaced by G.
Protein change: p.Ser1441Arg; replaces serine 1441 with arginine.
Molecular consequence: missense variant.
Genome position (GRCh38, 1-based): chr3:49,122,954, G>C on the plus strand (C>G on the coding strand, the complement: LAMB2 is on the minus strand). VCF-style: chr3-49122954-G-C. GRCh37 (hg19) VCF-style: chr3-49160387-G-C.
Other names: short protein forms S1441R.
Identifiers: ClinVar variation 1448804 (VCV001448804.5), dbSNP rs1575531255, ClinGen allele CA352694168.
Genomic context (GRCh38, chr3:49,122,954, plus strand): 5'-TGCCTGTGTGTGCCGGGCCCGGCCCAGTGCTAGGTCTGCTGTAGCCGCTGCCCCATTGCA[G>C]CTGAGGCCCCCACAGCGCGGCTGCCCATCCTCATCTCGACAGCCGGCACCCCCACAAGGG-3'
Protein context (NP_002283.3, residues 1431-1451): EDGQPRCGGL[Ser1441Arg]CNGAAATADL